The following is an entry in ClinVar:

ClinVar aggregate classification (germline): Uncertain significance (1 of 4 stars; one submission).

Conditions:
Hereditary cancer-predisposing syndrome. Also called: Tumor predisposition; Hereditary neoplastic syndrome; Neoplastic Syndromes, Hereditary; Hereditary Cancer Syndrome. Identifiers: Orphanet 140162, MedGen C0027672, MeSH D009386, MONDO:0015356.

Submission:

Ambry Genetics
Classification: Uncertain significance for Hereditary cancer-predisposing syndrome. Last evaluated: 2025-06-12. Review status: criteria provided, single submitter. Criteria: Ambry Variant Classification Scheme 2023. Collection method: clinical testing. Allele origin: germline.
Comment: The p.A261V variant (also known as c.782C>T), located in coding exon 5 of the CHEK2 gene, results from a C to T substitution at nucleotide position 782. The alanine at codon 261 is replaced by valine, an amino acid with similar properties. This amino acid position is conserved. In addition, this alteration is predicted to be tolerated by in silico analysis. Based on the available evidence, the clinical significance of this variant remains unclear.

NM_007194.4(CHEK2):c.782C>T (p.Ala261Val)

Gene: CHEK2 (checkpoint kinase 2; minus strand). Cytogenetic location: 22q12.1.
Variant type: single nucleotide variant.
Coding change: c.782C>T on transcript NM_007194.4 (MANE Select); coding-DNA position 782, C replaced by T.
Protein change: p.Ala261Val; replaces alanine 261 with valine.
Molecular consequence: missense variant.
Genome position (GRCh38, 1-based): chr22:28,711,919, G>A on the plus strand (C>T on the coding strand, the complement: CHEK2 is on the minus strand). VCF-style: chr22-28711919-G-A. GRCh37 (hg19) VCF-style: chr22-29107907-G-A.
Other names: c.911C>T, p.Ala304Val (NM_001005735.3); c.119C>T, p.Ala40Val (NM_001257387.3); c.581C>T, p.Ala194Val (NM_001349956.3); c.782C>T, p.Ala261Val (NM_145862.3); short protein forms A40V, A194V, A261V, A304V.
Identifiers: ClinVar variation 4002279 (VCV004002279.1).
Genomic context (GRCh38, chr22:28,711,919, plus strand): 5'-GTTATGAAGACGTGTTAATAAAAGGTGATCAGCCTTTTATTGGTACTTACTGCCTCTCTT[G>A]CTGAACCAATAGCAAACTTCCTTTTGCTGATGATCTTTATGGCTACTTTCTTACATGTTT-3'
Protein context (NP_009125.1, residues 251-271): ISKRKFAIGS[Ala261Val]READPALNVE